The following is an entry in ClinVar:

ClinVar aggregate classification (germline): Uncertain significance. Review status: criteria provided, multiple submitters, no conflicts (2 of 4 stars). 3 submissions from 3 submitters: Uncertain significance (2). 1 of the submissions does not count toward it. Last evaluated 2024-11-25.

Conditions:
Retinal dystrophy. Also called: Inherited retinal dystrophy. Identifiers: Orphanet 71862, MedGen C0854723, MeSH D058499, MONDO:0019118, HP:0000556.

Allele frequency attached by ClinVar (database versions not stated): gnomAD exomes 0.00005 and 0.00006; ExAC 0.00006; gnomAD 0.00007 and 0.00008; TOPMed 0.00007; 1000 Genomes Project 30x 0.00016; 1000 Genomes Project 0.00020.
gnomAD v4.1: 93 of 1,614,138 alleles (0.0058%); highest among the groups gnomAD compares: East Asian, 0.011%; no homozygotes.

Submissions (3):

Labcorp Genetics (formerly Invitae), Labcorp
Classification: Uncertain significance. Last evaluated: 2024-11-25. Review status: criteria provided, single submitter. Criteria: Invitae Variant Classification Sherloc (09022015). Collection method: clinical testing. Allele origin: germline.
Comment: This sequence change replaces isoleucine, which is neutral and non-polar, with threonine, which is neutral and polar, at codon 348 of the KCNJ13 protein (p.Ile348Thr). This variant is present in population databases (rs545594184, gnomAD 0.02%). This variant has not been reported in the literature in individuals affected with KCNJ13-related conditions. ClinVar contains an entry for this variant (Variation ID: 1040258). An algorithm developed to predict the effect of missense changes on protein structure and function outputs the following: PolyPhen-2: "Benign". The threonine amino acid residue is found in multiple mammalian species, which suggests that this missense change does not adversely affect protein function. In summary, the available evidence is currently insufficient to determine the role of this variant in disease. Therefore, it has been classified as a Variant of Uncertain Significance.

Ambry Genetics
Classification: Uncertain significance. Last evaluated: 2023-12-26. Review status: criteria provided, single submitter. Criteria: Ambry Variant Classification Scheme 2023. Collection method: clinical testing. Allele origin: germline.

Institute of Human Genetics, Univ. Regensburg, Univ. Regensburg
Classification: Uncertain significance for Retinal dystrophy. Last evaluated: 2022-01-01. Review status: no assertion criteria provided. Criteria: ACMG Guidelines, 2015. Collection method: clinical testing. Allele origin: germline. Affected: yes. Not counted in ClinVar's aggregate classification.

NM_002242.4(KCNJ13):c.1043T>C (p.Ile348Thr)

Genes: GIGYF2 (GRB10 interacting GYF protein 2; plus strand), KCNJ13 (potassium inwardly rectifying channel subfamily J member 13; minus strand). Cytogenetic location: 2q37.1.
Variant type: single nucleotide variant.
Coding change: c.1043T>C on transcript NM_002242.4 (MANE Select); coding-DNA position 1043, T replaced by C.
Protein change: p.Ile348Thr; replaces isoleucine 348 with threonine.
Molecular consequence: missense variant. On other transcripts: 3 prime UTR variant (1), intron variant (4).
Genome position (GRCh38, 1-based): chr2:232,768,231, A>G on the plus strand (T>C on the coding strand, the complement: KCNJ13 is on the minus strand). VCF-style: chr2-232768231-A-G. GRCh37 (hg19) VCF-style: chr2-233632941-A-G.
Other names: c.*522T>C (NM_001172416.1); c.803T>C, p.Ile268Thr (NM_001172417.1); c.532+6795A>G (NM_001103146.3, NM_015575.4, NM_001103147.2 and 1 more transcripts); short protein forms I348T, I268T.
Identifiers: ClinVar variation 1040258 (VCV001040258.9), dbSNP rs545594184, ClinGen allele CA2169952.